The following is an entry in ClinVar:

ClinVar aggregate classification (germline): Uncertain significance. Review status: criteria provided, multiple submitters, no conflicts (2 of 4 stars). 3 submissions from 3 submitters: Uncertain significance (3). Last evaluated 2024-03-08.

Conditions:
Muscular dystrophy-dystroglycanopathy (congenital with impaired intellectual development), type B, 2. Also called: Muscular dystrophy-dystroglycanopathy (congenital with intellectual disability), type B2; MUSCULAR DYSTROPHY, CONGENITAL, POMT2-RELATED. Identifiers: MedGen C3150416, MONDO:0013160, OMIM 613156.
Autosomal recessive limb-girdle muscular dystrophy type 2N. Also called: Muscular dystrophy-dystroglycanopathy (limb-girdle), type C, 2; MUSCULAR DYSTROPHY-DYSTROGLYCANOPATHY, LIMB-GIRDLE, POMT2-RELATED. Identifiers: Orphanet 206559, MedGen C3150418, MONDO:0013162, OMIM 613158.
Muscular dystrophy-dystroglycanopathy (congenital with brain and eye anomalies), type A2. Also called: MUSCULAR DYSTROPHY-DYSTROGLYCANOPATHY (CONGENITAL WITH BRAIN AND EYE ANOMALIES), TYPE A, 2; WALKER-WARBURG SYNDROME OR MUSCLE-EYE-BRAIN DISEASE, POMT2-RELATED. Identifiers: Orphanet 588, Orphanet 899, MedGen C3150411, MONDO:0013154, OMIM 613150.

Allele frequency attached by ClinVar (database versions not stated): TOPMed 0.00002; gnomAD exomes 0.00006 and 0.00012; gnomAD 0.00008 and 0.00007; ExAC 0.00047.
gnomAD v4.1: 98 of 1,565,264 alleles (0.0063%); highest among the groups gnomAD compares: Middle Eastern, 0.017%; no homozygotes.

Submissions (3):

GeneDx
Classification: Uncertain significance. Last evaluated: 2024-03-08. Review status: criteria provided, single submitter. Criteria: GeneDx Variant Classification Process June 2021. Collection method: clinical testing. Allele origin: germline. Affected: yes.
Comment: In silico analysis supports that this missense variant does not alter protein structure/function; Has not been previously published as pathogenic or benign to our knowledge

Labcorp Genetics (formerly Invitae), Labcorp
Classification: Uncertain significance for Muscular dystrophy-dystroglycanopathy (congenital with impaired intellectual development), type B, 2; Muscular dystrophy-dystroglycanopathy (congenital with brain and eye anomalies), type A2; Autosomal recessive limb-girdle muscular dystrophy type 2N. Last evaluated: 2022-02-03. Review status: criteria provided, single submitter. Criteria: Invitae Variant Classification Sherloc (09022015). Collection method: clinical testing. Allele origin: germline.
Comment: This sequence change replaces proline, which is neutral and non-polar, with serine, which is neutral and polar, at codon 45 of the POMT2 protein (p.Pro45Ser). This variant is present in population databases (rs780976004, gnomAD 0.2%). This variant has not been reported in the literature in individuals affected with POMT2-related conditions. ClinVar contains an entry for this variant (Variation ID: 567156). Algorithms developed to predict the effect of missense changes on protein structure and function are either unavailable or do not agree on the potential impact of this missense change (SIFT: "Deleterious"; PolyPhen-2: "Benign"; Align-GVGD: "Class C0"). Algorithms developed to predict the effect of sequence changes on RNA splicing suggest that this variant may create or strengthen a splice site. In summary, the available evidence is currently insufficient to determine the role of this variant in disease. Therefore, it has been classified as a Variant of Uncertain Significance.

CeGaT Center for Human Genetics Tuebingen
Classification: Uncertain significance. Last evaluated: 2019-09-01. Review status: criteria provided, single submitter. Criteria: CeGaT Center For Human Genetics Tuebingen Variant Classification Criteria Version 2. Collection method: clinical testing. Allele origin: germline. Affected: yes. Observed: 1 variant allele.

NM_013382.7(POMT2):c.133C>T (p.Pro45Ser)

Gene: POMT2 (protein O-mannosyltransferase 2; minus strand). Cytogenetic location: 14q24.3.
Variant type: single nucleotide variant.
Coding change: c.133C>T on transcript NM_013382.7 (MANE Select); coding-DNA position 133, C replaced by T.
Protein change: p.Pro45Ser; replaces proline 45 with serine.
Molecular consequence: missense variant.
Genome position (GRCh38, 1-based): chr14:77,320,549, G>A on the plus strand (C>T on the coding strand, the complement: POMT2 is on the minus strand). VCF-style: chr14-77320549-G-A. GRCh37 (hg19) VCF-style: chr14-77786892-G-A.
Other names: short protein forms P45S.
Identifiers: ClinVar variation 567156 (VCV000567156.46), dbSNP rs780976004, ClinGen allele CA7286271.